The following is an entry in ClinVar:

NM_001378454.1(ALMS1):c.7674+5A>G

Gene: ALMS1 (ALMS1 centrosome and basal body associated protein; plus strand). Cytogenetic location: 2p13.1.
Variant type: single nucleotide variant.
Coding change: c.7674+5A>G on transcript NM_001378454.1 (MANE Select); 5 bases into the intron after coding-DNA position 7674, A replaced by G.
Molecular consequence: intron variant.
Genome position (GRCh38, 1-based): chr2:73,455,300, A>G. VCF-style: chr2-73455300-A-G. GRCh37 (hg19) VCF-style: chr2-73682427-A-G.
Other names: c.7677+5A>G (NM_015120.4); c.7674+5A>G (NM_015120.4).
Identifiers: ClinVar variation 556249 (VCV000556249.5), dbSNP rs756532322, ClinGen allele CA50399885.

ClinVar aggregate classification (germline): Uncertain significance. Review status: criteria provided, single submitter (1 of 4 stars). 2 submissions from 2 submitters: Uncertain significance (1). 1 of the submissions does not count toward it. Last evaluated 2026-07-21.

Conditions:
Cardiovascular phenotype. Identifiers: MedGen CN230736.
Alstrom syndrome (ALMS). Identifiers: Orphanet 64, MedGen C0268425, MONDO:0008763, OMIM 203800.

Allele frequency attached by ClinVar (database versions not stated): gnomAD exomes below 0.00001.
gnomAD v4.1: 5 of 1,613,952 alleles (0.00031%); highest among the groups gnomAD compares: Non-Finnish European, 0.00042%; no homozygotes.

Submissions (2):

Ambry Genetics
Classification: Uncertain significance for Cardiovascular phenotype. Last evaluated: 2026-07-21. Review status: criteria provided, single submitter. Criteria: Ambry Variant Classification Scheme 2023. Collection method: clinical testing. Allele origin: germline.
Comment: The c.7677+5A>G intronic variant results from an A to G substitution 5 nucleotides after coding exon 9 in the ALMS1 gene. This nucleotide position is not well conserved in available vertebrate species. In silico splice site analysis predicts that this alteration will not have any significant effect on splicing. Based on the available evidence, the clinical significance of this variant remains unclear.

Counsyl
Classification: Uncertain significance for Alstrom syndrome. Last evaluated: 2018-01-23. Review status: no assertion criteria provided. Collection method: clinical testing. Allele origin: unknown. Not counted in ClinVar's aggregate classification.